The following is an entry in ClinVar:

NM_053025.4(MYLK):c.1516A>G (p.Arg506Gly)

Gene: MYLK (myosin light chain kinase; minus strand). Cytogenetic location: 3q21.1.
Variant type: single nucleotide variant.
Coding change: c.1516A>G on transcript NM_053025.4 (MANE Select); coding-DNA position 1516, A replaced by G.
Protein change: p.Arg506Gly; replaces arginine 506 with glycine.
Molecular consequence: missense variant. On other transcripts: intron variant (2).
Genome position (GRCh38, 1-based): chr3:123,732,896, T>C on the plus strand (A>G on the coding strand, the complement: MYLK is on the minus strand). VCF-style: chr3-123732896-T-C. GRCh37 (hg19) VCF-style: chr3-123451743-T-C.
Other names: c.988A>G, p.Arg330Gly (NM_001321309.2); c.1516A>G, p.Arg506Gly (NM_053027.4); c.1309+791A>G (NM_053028.4, NM_053026.4); short protein forms R506G, R330G.
Identifiers: ClinVar variation 389541 (VCV000389541.38), dbSNP rs77323602, ClinGen allele CA067135.

ClinVar aggregate classification (germline): Benign/Likely benign. Review status: criteria provided, multiple submitters, no conflicts (2 of 4 stars). 12 submissions from 12 submitters: Benign (6); Likely benign (3). 3 of the submissions do not count toward it. Last evaluated 2026-04-01.

Conditions:
Familial thoracic aortic aneurysm and aortic dissection (TAAD). Also called: Thoracic aortic aneurysms and dissections. Identifiers: Orphanet 91387, MedGen C4707243, MONDO:0019625.
Aortic aneurysm, familial thoracic 7 (AAT7). Also called: AORTIC DISSECTION, FAMILIAL, WITH OR WITHOUT AORTIC ANEURYSM. Identifiers: MedGen C3151077, MONDO:0013418, OMIM 613780.

Allele frequency attached by ClinVar (database versions not stated): gnomAD 0.00404 and 0.00379; TOPMed 0.00409; 1000 Genomes Project 0.00439; ESP Exome Variant Server 0.00454; gnomAD exomes 0.00043 and 0.00120; ExAC 0.00138; 1000 Genomes Project 30x 0.00515.
gnomAD v4.1: 1,200 of 1,613,504 alleles (0.074%); highest among the groups gnomAD compares: African/African-American, 1.4%; 16 homozygotes.

Submissions (12):

CeGaT Center for Human Genetics Tuebingen
Classification: Benign. Last evaluated: 2026-04-01. Review status: criteria provided, single submitter. Criteria: CeGaT Center For Human Genetics Tuebingen Variant Classification Criteria Version 2. Collection method: clinical testing. Allele origin: germline. Affected: yes. Observed: 2 variant alleles.
Comment: MYLK: BP4, BS1, BS2

Labcorp Genetics (formerly Invitae), Labcorp
Classification: Benign for Aortic aneurysm, familial thoracic 7. Last evaluated: 2026-01-27. Review status: criteria provided, single submitter. Criteria: Invitae Variant Classification Sherloc (09022015). Collection method: clinical testing. Allele origin: germline.

Molecular Diagnostic Laboratory for Inherited Cardiovascular Disease, Montreal Heart Institute
Classification: Likely benign. Last evaluated: 2025-07-24. Review status: criteria provided, single submitter. Criteria: ACMG Guidelines, 2015. Collection method: clinical testing. Allele origin: germline. Affected: no.
Comment: BS1;BP4

ARUP Laboratories, Molecular Genetics and Genomics, ARUP Laboratories
Classification: Benign. Last evaluated: 2025-06-16. Review status: criteria provided, single submitter. Criteria: ARUP Molecular Germline Variant Investigation Process 2024. Collection method: clinical testing. Allele origin: germline.

Women's Health and Genetics/Laboratory Corporation of America, LabCorp
Classification: Benign. Last evaluated: 2020-10-08. Review status: criteria provided, single submitter. Criteria: LabCorp Variant Classification Summary - May 2015. Collection method: clinical testing. Allele origin: germline.
Comment: Variant summary: MYLK c.1516A>G (p.Arg506Gly) results in a non-conservative amino acid change in the encoded protein sequence. Three of five in-silico tools predict a benign effect of the variant on protein function. The variant allele was found at a frequency of 0.0012 in 251224 control chromosomes, predominantly at a frequency of 0.013 within the African or African-American subpopulation in the gnomAD database, including 1 homozygote. The observed variant frequency within African or African-American control individuals in the gnomAD database is approximately 260- fold the estimated maximal expected allele frequency for a pathogenic variant in MYLK causing Thoracic Aortic Aneurysms And Dissections phenotype (5e-05), strongly suggesting that the variant is a benign polymorphism found primarily in populations of African or African-American origin. To our knowledge, no occurrence of c.1516A>G in individuals affected with Thoracic Aortic Aneurysms And Dissections and no experimental evidence demonstrating its impact on protein function have been reported. Five clinical diagnostic laboratories have submitted clinical-significance assessments for this variant to ClinVar after 2014 without evidence for independent evaluation. All laboratories classified the variant as benign/likely benign. Based on the evidence outlined above, the variant was classified as benign.

CHEO Genetics Diagnostic Laboratory, Children's Hospital of Eastern Ontario
Classification: Likely benign for Familial thoracic aortic aneurysm and aortic dissection. Last evaluated: 2017-07-12. Review status: criteria provided, single submitter. Criteria: ACMG Guidelines, 2015. Collection method: clinical testing. Allele origin: germline. Study: Canadian Open Genetics Repository.

GeneDx
Classification: Benign. Last evaluated: 2016-11-08. Review status: criteria provided, single submitter. Criteria: GeneDx Variant Classification (06012015). Collection method: clinical testing. Allele origin: germline. Affected: yes.
Comment: This variant is considered likely benign or benign based on one or more of the following criteria: it is a conservative change, it occurs at a poorly conserved position in the protein, it is predicted to be benign by multiple in silico algorithms, and/or has population frequency not consistent with disease.

Ambry Genetics
Classification: Benign for Familial thoracic aortic aneurysm and aortic dissection. Last evaluated: 2016-03-28. Review status: criteria provided, single submitter. Criteria: Ambry Variant Classification Scheme 2023. Collection method: clinical testing. Allele origin: germline.

Breakthrough Genomics
Classification: Likely benign. Review status: criteria provided, single submitter. Criteria: ACMG Guidelines, 2015. Collection method: not provided. Allele origin: germline. Inheritance: Autosomal recessive inheritance. Affected: yes.

Clinical Genetics DNA and cytogenetics Diagnostics Lab, Erasmus MC, Erasmus Medical Center
Classification: Benign. Review status: no assertion criteria provided. Collection method: clinical testing. Allele origin: germline. Affected: yes. Study: VKGL Data-share Consensus. Not counted in ClinVar's aggregate classification.

Genome Diagnostics Laboratory, Amsterdam University Medical Center
Classification: Likely benign. Review status: no assertion criteria provided. Collection method: clinical testing. Allele origin: germline. Affected: yes. Study: VKGL Data-share Consensus. Not counted in ClinVar's aggregate classification.

Genome Diagnostics Laboratory, University Medical Center Utrecht
Classification: Likely benign. Review status: no assertion criteria provided. Collection method: clinical testing. Allele origin: germline. Affected: yes. Study: VKGL Data-share Consensus. Not counted in ClinVar's aggregate classification.